The following is an entry in ClinVar:

NM_014974.3(DIP2C):c.155C>T (p.Pro52Leu)

Gene: DIP2C (DIP2 acetate--CoA ligase C (putative); minus strand). Cytogenetic location: 10p15.3.
Variant type: single nucleotide variant.
Coding change: c.155C>T on transcript NM_014974.3 (MANE Select); coding-DNA position 155, C replaced by T.
Protein change: p.Pro52Leu; replaces proline 52 with leucine.
Molecular consequence: missense variant.
Genome position (GRCh38, 1-based): chr10:486,461, G>A on the plus strand (C>T on the coding strand, the complement: DIP2C is on the minus strand). VCF-style: chr10-486461-G-A. GRCh37 (hg19) VCF-style: chr10-532401-G-A.
Other names: c.155C>T (NM_014974.2); short protein forms P52L.
Identifiers: ClinVar variation 2896470 (VCV002896470.4), dbSNP rs758803230, ClinGen allele CA5381551.

ClinVar aggregate classification (germline): Uncertain significance. Review status: criteria provided, multiple submitters, no conflicts (2 of 4 stars). 2 submissions from 2 submitters: Uncertain significance (2). Last evaluated 2025-04-15.

Conditions:
Inborn genetic diseases. Identifiers: MedGen C0950123, MeSH D030342.

Allele frequency attached by ClinVar (database versions not stated): TOPMed below 0.00001; ExAC 0.00001.
gnomAD v4.1: 26 of 1,598,090 alleles (0.0016%); highest among the groups gnomAD compares: Non-Finnish European, 0.0022%; no homozygotes.

Submissions (2):

Ambry Genetics
Classification: Uncertain significance for Inborn genetic diseases. Last evaluated: 2025-04-15. Review status: criteria provided, single submitter. Criteria: Ambry Variant Classification Scheme 2023. Collection method: clinical testing. Allele origin: germline.

Labcorp Genetics (formerly Invitae), Labcorp
Classification: Uncertain significance. Last evaluated: 2024-10-23. Review status: criteria provided, single submitter. Criteria: Invitae Variant Classification Sherloc (09022015). Collection method: clinical testing. Allele origin: germline.
Comment: This sequence change replaces proline, which is neutral and non-polar, with leucine, which is neutral and non-polar, at codon 52 of the DIP2C protein (p.Pro52Leu). The frequency data for this variant in the population databases is considered unreliable, as metrics indicate poor data quality at this position in the gnomAD database. This variant has not been reported in the literature in individuals affected with DIP2C-related conditions. An algorithm developed to predict the effect of missense changes on protein structure and function (PolyPhen-2) suggests that this variant is likely to be tolerated. In summary, the available evidence is currently insufficient to determine the role of this variant in disease. Therefore, it has been classified as a Variant of Uncertain Significance.